The following is an entry in ClinVar:

NM_001267550.2(TTN):c.100880T>C (p.Ile33627Thr)

Genes: TTN-AS1 (TTN antisense RNA 1; plus strand), TTN (titin; minus strand). Cytogenetic location: 2q31.2.
Variant type: single nucleotide variant.
Coding change: c.100880T>C on transcript NM_001267550.2 (MANE Select); coding-DNA position 100880, T replaced by C.
Protein change: p.Ile33627Thr; replaces isoleucine 33627 with threonine.
Molecular consequence: missense variant. On other transcripts: non-coding transcript variant (1).
Genome position (GRCh38, 1-based): chr2:178,535,735, A>G on the plus strand (T>C on the coding strand, the complement: TTN is on the minus strand). VCF-style: chr2-178535735-A-G. GRCh37 (hg19) VCF-style: chr2-179400462-A-G.
Other names: c.95957T>C, p.Ile31986Thr (NM_001256850.1); c.73685T>C, p.Ile24562Thr (NM_003319.4); c.93176T>C, p.Ile31059Thr (NM_133378.4); c.74060T>C, p.Ile24687Thr (NM_133432.3); c.74261T>C, p.Ile24754Thr (NM_133437.4); short protein forms I33627T, I24687T, I31986T, I24562T, I24754T, I31059T.
Identifiers: ClinVar variation 466688 (VCV000466688.8), dbSNP rs1553500627, ClinGen allele CA349422610.
Genomic context (GRCh38, chr2:178,535,735, plus strand): 5'-GTGACAATAACTTGGTAGTGGCCATTATTGTCAATGAGATCTTGTCCTTTCTGCCAGGTG[A>G]TCACAGGATCTGGTTTGCCACTGAAAGGAATCTTGATGCTGACCACTTCACCTCGGAGAG-3'
Protein context (NP_001254479.2, residues 33617-33637): IPFSGKPDPV[Ile33627Thr]TWQKGQDLID

ClinVar aggregate classification (germline): Uncertain significance (1 of 4 stars; one submission).

Conditions:
Autosomal recessive limb-girdle muscular dystrophy type 2J (LGMDR10). Also called: Limb-girdle muscular dystrophy, type 2J; MUSCULAR DYSTROPHY, LIMB-GIRDLE, AUTOSOMAL RECESSIVE 10. Identifiers: Orphanet 140922, MedGen C1837342, MONDO:0012127, OMIM 608807.
Dilated cardiomyopathy 1G (CMD1G). Identifiers: Orphanet 154, MedGen C1858763, MONDO:0011400, OMIM 604145.

Submission:

Labcorp Genetics (formerly Invitae), Labcorp
Classification: Uncertain significance for Dilated cardiomyopathy 1G; Autosomal recessive limb-girdle muscular dystrophy type 2J. Last evaluated: 2025-01-11. Review status: criteria provided, single submitter. Criteria: Invitae Variant Classification Sherloc (09022015). Collection method: clinical testing. Allele origin: germline.
Comment: This sequence change replaces isoleucine, which is neutral and non-polar, with threonine, which is neutral and polar, at codon 33627 of the TTN protein (p.Ile33627Thr). This variant is not present in population databases (gnomAD no frequency). This variant has not been reported in the literature in individuals affected with TTN-related conditions. ClinVar contains an entry for this variant (Variation ID: 466688). Experimental studies and prediction algorithms are not available or were not evaluated, and the functional significance of this variant is currently unknown. This variant is located in the M band of TTN (PMID: 25589632). Non-truncating variants in this region may be relevant for neuromuscular disorders, but have not been definitively shown to cause cardiomyopathy (PMID: 23975875). In summary, the available evidence is currently insufficient to determine the role of this variant in disease. Therefore, it has been classified as a Variant of Uncertain Significance.

Literature cited by the submitters: PubMed 25589632; PubMed 23975875.